The following is an entry in ClinVar:

NM_000370.3(TTPA):c.19C>T (p.Gln7Ter)

Gene: TTPA (alpha tocopherol transfer protein; minus strand). Cytogenetic location: 8q12.3.
Variant type: single nucleotide variant.
Coding change: c.19C>T on transcript NM_000370.3 (MANE Select); coding-DNA position 19, C replaced by T.
Protein change: p.Gln7Ter; replaces glutamine 7 with a stop codon.
Molecular consequence: nonsense.
Genome position (GRCh38, 1-based): chr8:63,086,003, G>A on the plus strand (C>T on the coding strand, the complement: TTPA is on the minus strand). VCF-style: chr8-63086003-G-A. GRCh37 (hg19) VCF-style: chr8-63998562-G-A.
Other names: short protein forms Q7*.
Identifiers: ClinVar variation 1076433 (VCV001076433.8), dbSNP rs1351036862, ClinGen allele CA371403709.

ClinVar aggregate classification (germline): Pathogenic/Likely pathogenic. Review status: criteria provided, multiple submitters, no conflicts (2 of 4 stars). 2 submissions from 2 submitters: Pathogenic (1); Likely pathogenic (1). Last evaluated 2023-08-22.

Conditions:
Familial isolated deficiency of vitamin E (AVED). Also called: Ataxia with isolated vitamin E deficiency; ATAXIA, FRIEDREICH-LIKE, WITH SELECTIVE VITAMIN E DEFICIENCY. Identifiers: Orphanet 96, MedGen C1848533, MONDO:0010188, OMIM 277460.

Submissions (2):

Baylor Genetics
Classification: Likely pathogenic for Familial isolated deficiency of vitamin E. Last evaluated: 2023-08-22. Review status: criteria provided, single submitter. Criteria: ACMG Guidelines, 2015. Collection method: clinical testing. Allele origin: unknown.

Labcorp Genetics (formerly Invitae), Labcorp
Classification: Pathogenic. Last evaluated: 2020-10-01. Review status: criteria provided, single submitter. Criteria: Invitae Variant Classification Sherloc (09022015). Collection method: clinical testing. Allele origin: germline.
Comment: For these reasons, this variant has been classified as Pathogenic. Loss-of-function variants in TTPA are known to be pathogenic (PMID: 9463307, 26068213). This variant has not been reported in the literature in individuals with TTPA-related conditions. The frequency data for this variant in the population databases is considered unreliable, as metrics indicate insufficient coverage at this position in the ExAC database. This sequence change creates a premature translational stop signal (p.Gln7*) in the TTPA gene. It is expected to result in an absent or disrupted protein product.

Literature cited by the submitters: PubMed 9463307 (cited by Labcorp Genetics (formerly Invitae), Labcorp); PubMed 26068213 (cited by Labcorp Genetics (formerly Invitae), Labcorp).